The following is an entry in ClinVar:

ClinVar aggregate classification (germline): Likely benign (1 of 4 stars; one submission).

Conditions:
BEST1-related disorder. Also called: BEST1-related condition; BEST1-related disorders. Identifiers: MedGen CN239200.

gnomAD v4.1: 174 of 1,335,112 alleles (0.013%); highest among the groups gnomAD compares: Non-Finnish European, 0.017%; no homozygotes.

Submission:

PreventionGenetics, part of Exact Sciences
Classification: Likely benign for BEST1-related condition. Last evaluated: 2026-02-05. Review status: criteria provided, single submitter. Criteria: ACMG Guidelines, 2015. Collection method: clinical testing. Allele origin: germline.
Comment: This variant is classified as likely benign based on ACMG/AMP sequence variant interpretation guidelines (Richards et al. 2015 PMID: 25741868, with internal and published modifications).

NM_004183.4(BEST1):c.867+210T>C

Gene: BEST1 (bestrophin 1; plus strand). Cytogenetic location: 11q12.3.
Variant type: single nucleotide variant.
Coding change: c.867+210T>C on transcript NM_004183.4 (MANE Select); 210 bases into the intron after coding-DNA position 867, T replaced by C.
Molecular consequence: intron variant.
Genome position (GRCh38, 1-based): chr11:61,958,508, T>C. VCF-style: chr11-61958508-T-C. GRCh37 (hg19) VCF-style: chr11-61725980-T-C.
Other names: c.1070+7T>C (NM_001363592.2); c.867+210T>C (NM_001440571.1, NM_001440572.1); c.715-990T>C (NM_001440573.1); c.687+210T>C (NM_001139443.3, NM_001300787.2, NM_001440574.1 and 1 more transcripts); c.535-990T>C (NM_001440575.1); c.534+1044T>C (NM_001440576.1); c.-106+7T>C (NM_001363593.3); c.549+210T>C (NM_001363591.3).
Identifiers: ClinVar variation 4979717 (VCV004979717.1).
Genomic context (GRCh38, chr11:61,958,508, plus strand): 5'-TACTCGGGAGGCTGAGGCAGGAGAATCGCTTGAACCCGGGAGGCGGAGGTTGTGGTGAGT[T>C]GAGATCGTGCCACTGCACTCCAGCCTGGGCAAAAGAATGAAACTCTATCTCAAAAACAAC-3'